The following is an entry in ClinVar:

NM_000081.4(LYST):c.5905A>C (p.Thr1969Pro)

Gene: LYST (lysosomal trafficking regulator; minus strand). Cytogenetic location: 1q42.3.
Variant type: single nucleotide variant.
Coding change: c.5905A>C on transcript NM_000081.4 (MANE Select); coding-DNA position 5905, A replaced by C.
Protein change: p.Thr1969Pro; replaces threonine 1969 with proline.
Molecular consequence: missense variant.
Genome position (GRCh38, 1-based): chr1:235,770,177, T>G on the plus strand (A>C on the coding strand, the complement: LYST is on the minus strand). VCF-style: chr1-235770177-T-G. GRCh37 (hg19) VCF-style: chr1-235933477-T-G.
Other names: c.5905A>C, p.Thr1969Pro (NM_001301365.1); short protein forms T1969P.
Identifiers: ClinVar variation 1978951 (VCV001978951.3), dbSNP rs1455472616, ClinGen allele CA344949591.
Genomic context (GRCh38, chr1:235,770,177, plus strand): 5'-ACTGTGGAATATATTTCCAAAAGTAAAGTTACATGAAAAGTACCTGCAAAACCTGACAAG[T>G]CAGTAGAAAGTGATGAACCACTTGAGCTTTCAATAACTGCTTAATATTAAACATCTGCTG-3'
Protein context (NP_000072.2, residues 1959-1979): KAQVVHHFLL[Thr1969Pro]CQVLQEYKEG

ClinVar aggregate classification (germline): Uncertain significance (1 of 4 stars; one submission).

Conditions:
Chédiak-Higashi syndrome (CHS). Also called: Chediak-Higashi Syndrome. Identifiers: Orphanet 167, MedGen C0007965, MONDO:0008963, OMIM 214500.

Allele frequency attached by ClinVar (database versions not stated): gnomAD exomes 0.00002.
gnomAD v4.1: 11 of 1,613,494 alleles (0.00068%); highest among the groups gnomAD compares: East Asian, 0.025%; no homozygotes.

Submission:

Labcorp Genetics (formerly Invitae), Labcorp
Classification: Uncertain significance for Chédiak-Higashi syndrome. Last evaluated: 2024-04-10. Review status: criteria provided, single submitter. Criteria: Invitae Variant Classification Sherloc (09022015). Collection method: clinical testing. Allele origin: germline.
Comment: This sequence change replaces threonine, which is neutral and polar, with proline, which is neutral and non-polar, at codon 1969 of the LYST protein (p.Thr1969Pro). This variant is present in population databases (no rsID available, gnomAD 0.006%). This variant has not been reported in the literature in individuals affected with LYST-related conditions. ClinVar contains an entry for this variant (Variation ID: 1978951). Advanced modeling of protein sequence and biophysical properties (such as structural, functional, and spatial information, amino acid conservation, physicochemical variation, residue mobility, and thermodynamic stability) performed at Invitae indicates that this missense variant is expected to disrupt LYST protein function with a positive predictive value of 80%. In summary, the available evidence is currently insufficient to determine the role of this variant in disease. Therefore, it has been classified as a Variant of Uncertain Significance.